The following is an entry in ClinVar:

NM_007078.3(LDB3):c.689G>A (p.Gly230Glu)

Gene: LDB3 (LIM domain binding 3; plus strand). Cytogenetic location: 10q23.2.
Variant type: single nucleotide variant.
Coding change: c.689G>A on transcript NM_007078.3 (MANE Select); coding-DNA position 689, G replaced by A.
Protein change: p.Gly230Glu; replaces glycine 230 with glutamic acid.
Molecular consequence: missense variant. On other transcripts: intron variant (5).
Genome position (GRCh38, 1-based): chr10:86,681,803, G>A. VCF-style: chr10-86681803-G-A. GRCh37 (hg19) VCF-style: chr10-88441560-G-A.
Other names: c.689G>A, p.Gly230Glu (NM_001080115.2, NM_001368063.1, NM_001368064.1 and 1 more transcripts); c.689G>A, p.Gly230Asp (NM_001171610.2, NM_001171611.2); c.321+1646G>A (NM_001368068.1, NM_001368066.1, NM_001080114.2 and 2 more transcripts); short protein forms G230D, G230E.
Identifiers: ClinVar variation 1756035 (VCV001756035.3), dbSNP rs2492595165, ClinGen allele CA377455781.

ClinVar aggregate classification (germline): Uncertain significance. Review status: criteria provided, multiple submitters, no conflicts (2 of 4 stars). 2 submissions from 2 submitters: Uncertain significance (2). Last evaluated 2025-09-19.

Conditions:
Cardiovascular phenotype. Identifiers: MedGen CN230736.
Dilated cardiomyopathy 1C (CMD1C). Also called: Cardiomyopathy, dilated, 1C, with or without LVNC; CARDIOMYOPATHY, DILATED, 1C, WITH OR WITHOUT LEFT VENTRICULAR NONCOMPACTION. Identifiers: Orphanet 154, Orphanet 54260, MedGen C1832244, MONDO:0011094, OMIM 601493.

Submissions (2):

3billion
Classification: Uncertain significance for Dilated cardiomyopathy 1C. Last evaluated: 2025-09-19. Review status: criteria provided, single submitter. Criteria: ACMG Guidelines, 2015. Collection method: clinical testing. Allele origin: germline. Affected: yes.
Comment: The variant is not observed in the gnomAD v4.1.0 dataset. Predicted Consequence/Location: Missense variant. The majority of the known disease-causing variants of this gene are variants expected to result in premature termination of the protein. In silico tools predict the variant to alter splicing and produce an abnormal transcript [SpliceAI: 0.42 (>=0.2, moderate evidence for spliceogenicity)]. The variant has been reported as of uncertain significance (ClinVar ID: VCV001756035). Different missense changes at the same codon have been reported as of uncertain significance (ClinVar ID: VCV001755990). Therefore, this variant is classified as VUS according to the recommendation of ACMG/AMP guideline.

Ambry Genetics
Classification: Uncertain significance for Cardiovascular phenotype. Last evaluated: 2021-11-09. Review status: criteria provided, single submitter. Criteria: Ambry Variant Classification Scheme 2023. Collection method: clinical testing. Allele origin: germline.
Comment: The p.G230E variant (also known as c.689G>A), located in coding exon 4 of the LDB3 gene, results from a G to A substitution at nucleotide position 689. The glycine at codon 230 is replaced by glutamic acid, an amino acid with similar properties. However, this change occurs in the last base pair of coding exon 4, and may have some effect on normal mRNA splicing. This nucleotide position is highly conserved in available vertebrate species. In silico splice site analysis predicts that this alteration may weaken the native splice donor site and may result in the creation or strengthening of a novel splice donor site. This amino acid position is highly conserved in available vertebrate species. In addition, as a missense substitution this is predicted to be inconclusive by in silico analysis. In addition, loss of function of LDB3 has not been clearly established as a mechanism of disease. Since supporting evidence is limited at this time, the clinical significance of this alteration remains unclear